The following is an entry in ClinVar:

ClinVar aggregate classification (germline): Uncertain significance. Review status: criteria provided, multiple submitters, no conflicts (2 of 4 stars). 3 submissions from 3 submitters: Uncertain significance (3). Last evaluated 2025-04-10.

Conditions:
Oligodontia-cancer predisposition syndrome. Also called: TOOTH AGENESIS-COLORECTAL CANCER SYNDROME. Identifiers: Orphanet 300576, MedGen C1837750, MONDO:0012075, OMIM 608615. Disease mechanism: loss of function.
Hereditary cancer-predisposing syndrome. Also called: Hereditary neoplastic syndrome; Neoplastic Syndromes, Hereditary; Tumor predisposition; Hereditary Cancer Syndrome. Identifiers: Orphanet 140162, MedGen C0027672, MeSH D009386, MONDO:0015356.

Allele frequency attached by ClinVar (database versions not stated): ExAC 0.00001; gnomAD 0.00001; gnomAD exomes 0.00001 and 0.00002; TOPMed 0.00001.
gnomAD v4.1: 6 of 1,613,566 alleles (0.00037%); highest among the groups gnomAD compares: Non-Finnish European, 0.00051%; no homozygotes.

Submissions (3):

Labcorp Genetics (formerly Invitae), Labcorp
Classification: Uncertain significance for Oligodontia-cancer predisposition syndrome. Last evaluated: 2025-04-10. Review status: criteria provided, single submitter. Criteria: Invitae Variant Classification Sherloc (09022015). Collection method: clinical testing. Allele origin: germline.
Comment: This sequence change replaces glutamine, which is neutral and polar, with arginine, which is basic and polar, at codon 696 of the AXIN2 protein (p.Gln696Arg). This variant is present in population databases (rs778376993, gnomAD 0.004%). This variant has not been reported in the literature in individuals affected with AXIN2-related conditions. ClinVar contains an entry for this variant (Variation ID: 942233). Invitae Evidence Modeling of protein sequence and biophysical properties (such as structural, functional, and spatial information, amino acid conservation, physicochemical variation, residue mobility, and thermodynamic stability) indicates that this missense variant is expected to disrupt AXIN2 protein function with a positive predictive value of 80%. In summary, the available evidence is currently insufficient to determine the role of this variant in disease. Therefore, it has been classified as a Variant of Uncertain Significance.

Ambry Genetics
Classification: Uncertain significance for Hereditary cancer-predisposing syndrome. Last evaluated: 2024-03-16. Review status: criteria provided, single submitter. Criteria: Ambry Variant Classification Scheme 2023. Collection method: clinical testing. Allele origin: germline.
Comment: The p.Q696R variant (also known as c.2087A>G), located in coding exon 7 of the AXIN2 gene, results from an A to G substitution at nucleotide position 2087. The glutamine at codon 696 is replaced by arginine, an amino acid with highly similar properties. This amino acid position is highly conserved in available vertebrate species. In addition, this alteration is predicted to be deleterious by in silico analysis. Since supporting evidence is limited at this time, the clinical significance of this alteration remains unclear.

GeneDx
Classification: Uncertain significance. Last evaluated: 2019-08-29. Review status: criteria provided, single submitter. Criteria: GeneDx Variant Classification Process June 2021. Collection method: clinical testing. Allele origin: germline. Affected: yes.
Comment: Not observed at a significant frequency in large population cohorts (Lek et al., 2016); In silico analysis, which includes protein predictors and evolutionary conservation, supports a deleterious effect; Has not been previously published as pathogenic or benign to our knowledge; This variant is associated with the following publications: (PMID: 17373666)

NM_004655.4(AXIN2):c.2087A>G (p.Gln696Arg)

Gene: AXIN2 (axin 2; minus strand). Cytogenetic location: 17q24.1.
Variant type: single nucleotide variant.
Coding change: c.2087A>G on transcript NM_004655.4 (MANE Select); coding-DNA position 2087, A replaced by G.
Protein change: p.Gln696Arg; replaces glutamine 696 with arginine.
Molecular consequence: missense variant.
Genome position (GRCh38, 1-based): chr17:65,536,374, T>C on the plus strand (A>G on the coding strand, the complement: AXIN2 is on the minus strand). VCF-style: chr17-65536374-T-C. GRCh37 (hg19) VCF-style: chr17-63532492-T-C.
Other names: c.1892A>G, p.Gln631Arg (NM_001363813.1); short protein forms Q631R, Q696R.
Identifiers: ClinVar variation 942233 (VCV000942233.14), dbSNP rs778376993, ClinGen allele CA8718410.